The following is an entry in ClinVar:

ClinVar aggregate classification (germline): Conflicting classifications of pathogenicity. Review status: criteria provided, conflicting classifications (1 of 4 stars). 2 submissions from 2 submitters: Uncertain significance (1); Likely benign (1). Last evaluated 2023-12-18.

Conditions:
Charcot-Marie-Tooth disease axonal type 2O. Also called: CHARCOT-MARIE-TOOTH NEUROPATHY, AXONAL, TYPE 2O; CHARCOT-MARIE-TOOTH DISEASE, AXONAL, AUTOSOMAL DOMINANT, TYPE 2O; Charcot-Marie-Tooth disease, axonal, type 20; Charcot-Marie-Tooth Neuropathy Type 2O. Identifiers: Orphanet 284232, MedGen C3280220, MONDO:0013644, OMIM 614228.

Allele frequency attached by ClinVar (database versions not stated): gnomAD exomes below 0.00001 and 0.00001; ExAC 0.00001; gnomAD 0.00001; TOPMed 0.00001.
gnomAD v4.1: 7 of 1,614,008 alleles (0.00043%); highest among the groups gnomAD compares: South Asian, 0.0033%; no homozygotes.

Submissions (2):

Labcorp Genetics (formerly Invitae), Labcorp
Classification: Likely benign for Charcot-Marie-Tooth disease axonal type 2O. Last evaluated: 2023-12-18. Review status: criteria provided, single submitter. Criteria: Invitae Variant Classification Sherloc (09022015). Collection method: clinical testing. Allele origin: germline.

Molecular Genetics, Royal Melbourne Hospital
Classification: Uncertain significance for Charcot-Marie-Tooth disease axonal type 2O. Last evaluated: 2023-03-30. Review status: criteria provided, single submitter. Criteria: ACMG Guidelines, 2015. Collection method: clinical testing. Allele origin: germline. Affected: yes.
Comment: This sequence change is predicted to replace threonine with methionine at codon 543 of the DYNC1H1 protein, p.(Thr543Met). The threonine residue is moderately conserved (100 vertebrates, UCSC), and is located in a coiled coil region that interacts with DYNC1I2 in the Dynein heavy chain N-terminal region 1. There is a moderate physicochemical difference between threonine and methionine. The DYNC1H1 gene is highly constrained for missense variation (gnomAD v2.1.1). The variant is present in a singleton from the South Asian, East Asian, and other subpopulations in a large population cohort ( rs780247153, 3/251,446 alleles, 0 homozygotes in gnomAD v2.1.1). The variant has been identified in a case where a different pathogenic variant in another gene fully explained the phenotype, and in at least three individuals referred for hereditary neuropathy genetic testing who harboured additional variants of uncertain significance in other dominant Charcot-Marie-Tooth disease genes (Invitae personal communication, Royal Melbourne Hospital). Multiple lines of computational evidence have conflicting predictions for the missense substitution (4/6 algorithms predict deleterious). Based on the classification scheme RMH Modified ACMG Guidelines v1.3.1, this variant is classified as a VARIANT OF UNCERTAIN SIGNIFICANCE. Following criteria are met: PM2_Supporting, PP2.

NM_001376.5(DYNC1H1):c.1628C>T (p.Thr543Met)

Gene: DYNC1H1 (dynein cytoplasmic 1 heavy chain 1; plus strand). Cytogenetic location: 14q32.31.
Variant type: single nucleotide variant.
Coding change: c.1628C>T on transcript NM_001376.5 (MANE Select); coding-DNA position 1628, C replaced by T.
Protein change: p.Thr543Met; replaces threonine 543 with methionine.
Molecular consequence: missense variant.
Genome position (GRCh38, 1-based): chr14:101,985,853, C>T. VCF-style: chr14-101985853-C-T. GRCh37 (hg19) VCF-style: chr14-102452190-C-T.
Other names: short protein forms T543M.
Identifiers: ClinVar variation 574467 (VCV000574467.12), dbSNP rs780247153, ClinGen allele CA7351723.
Genomic context (GRCh38, chr14:101,985,853, plus strand): 5'-TAAACCTTGCTTATGAGAACGTCAAGGAAGTGGATGGACTGGATGTTTCCAAAGAGGGCA[C>T]GGAAGCCTGGGAGGCTGCTATGAAGAGGTACGATGAGAGGATCGACAGAGTGGAGACCCG-3'
Protein context (NP_001367.2, residues 533-553): VDGLDVSKEG[Thr543Met]EAWEAAMKRY